The following is an entry in ClinVar:

NM_000368.5(TSC1):c.2457C>T (p.Asn819=)

Gene: TSC1 (TSC complex subunit 1; minus strand). Cytogenetic location: 9q34.13.
Variant type: single nucleotide variant.
Coding change: c.2457C>T on transcript NM_000368.5 (MANE Select); coding-DNA position 2457, C replaced by T.
Protein change: p.Asn819=; no amino-acid change (asparagine 819 retained).
Molecular consequence: synonymous variant.
Genome position (GRCh38, 1-based): chr9:132,901,634, G>A on the plus strand (C>T on the coding strand, the complement: TSC1 is on the minus strand). VCF-style: chr9-132901634-G-A. GRCh37 (hg19) VCF-style: chr9-135777021-G-A.
Other names: c.2457C>T (NM_000368.4); c.2454C>T, p.Asn818= (NM_001162426.2); c.2304C>T, p.Asn768= (NM_001162427.2); c.2094C>T, p.Asn698= (NM_001362177.2).
Identifiers: ClinVar variation 1083571 (VCV001083571.11), dbSNP rs1471536624, ClinGen allele CA467590453.
Genomic context (GRCh38, chr9:132,901,634, plus strand): 5'-CTCATTTCTTCTTACCTTTTGGGAAACCTGACTGAGCAGCAGCTCAGTGTGACACACCTT[G>A]TTGTTGGCCTTCTTCAGTTCTATCCGCAGCTCCGCAATCATGTTCCTGCAGTCCTCCAGC-3'
Protein context (NP_000359.1, residues 809-829): ELRIELKKAN[Asn819=]KVCHTELLLS

ClinVar aggregate classification (germline): Benign/Likely benign. Review status: criteria provided, multiple submitters, no conflicts (2 of 4 stars). 3 submissions from 3 submitters: Benign (1); Likely benign (2). Last evaluated 2025-04-25.

Conditions:
Tuberous sclerosis 1 (TSC1). Identifiers: Orphanet 805, MedGen C1854465, MONDO:0008612, OMIM 191100.
Hereditary cancer-predisposing syndrome. Also called: Neoplastic Syndromes, Hereditary; Hereditary neoplastic syndrome; Hereditary Cancer Syndrome; Tumor predisposition. Identifiers: Orphanet 140162, MedGen C0027672, MeSH D009386, MONDO:0015356.

Allele frequency attached by ClinVar (database versions not stated): gnomAD exomes below 0.00001.

Submissions (3):

Myriad Genetics, Inc.
Classification: Benign for Tuberous sclerosis 1. Last evaluated: 2025-04-25. Review status: criteria provided, single submitter. Criteria: Myriad Autosomal Dominant, Autosomal Recessive and X-Linked Classification Criteria (2023). Collection method: clinical testing. Allele origin: unknown.
Comment: This variant is considered benign. This variant is a silent/synonymous amino acid change and it is not expected to impact splicing.

Labcorp Genetics (formerly Invitae), Labcorp
Classification: Likely benign for Tuberous sclerosis 1. Last evaluated: 2024-05-15. Review status: criteria provided, single submitter. Criteria: Invitae Variant Classification Sherloc (09022015). Collection method: clinical testing. Allele origin: germline.

Ambry Genetics
Classification: Likely benign for Hereditary cancer-predisposing syndrome. Last evaluated: 2024-03-06. Review status: criteria provided, single submitter. Criteria: Ambry Variant Classification Scheme 2023. Collection method: clinical testing. Allele origin: germline.